The following is an entry in ClinVar:

NM_000540.3(RYR1):c.10347+1G>A

Gene: RYR1 (ryanodine receptor 1; plus strand). Cytogenetic location: 19q13.2.
Variant type: single nucleotide variant.
Coding change: c.10347+1G>A on transcript NM_000540.3 (MANE Select); the canonical splice donor site of the intron after coding-DNA position 10347, G replaced by A.
Molecular consequence: splice donor variant.
Genome position (GRCh38, 1-based): chr19:38,523,116, G>A. VCF-style: chr19-38523116-G-A. GRCh37 (hg19) VCF-style: chr19-39013756-G-A.
Other names: c.10347+1G>A (NM_001042723.2).
Identifiers: ClinVar variation 224998 (VCV000224998.31), dbSNP rs111436401, ClinGen allele CA053108.
Genomic context (GRCh38, chr19:38,523,116, plus strand): 5'-AGCGCGGAGGAGCTGTTCAGGATGGTGGGCGAGATCTTCATCTACTGGTCCAAGTCCCAC[G>A]TGAGTGCCCACCCCAACCGCCCTCCCCACAACCAGAGGAGCCGCAGCCCACAGGCGCCTG-3'

ClinVar aggregate classification (germline): Pathogenic. Review status: reviewed by expert panel (3 of 4 stars). 13 submissions from 12 submitters: Pathogenic (1). 12 of the submissions do not count toward it. Last evaluated 2025-09-08.

Conditions:
Congenital multicore myopathy with external ophthalmoplegia (CMYO1B). Also called: Minicore myopathy with external ophthalmoplegia; MULTICORE MYOPATHY; MULTIMINICORE DISEASE WITH EXTERNAL OPHTHALMOPLEGIA; Congenital myopathy 1B, autosomal recessive; Minicore myopathy. Identifiers: Orphanet 598, Orphanet 98905, MedGen C1850674, MONDO:0009712, OMIM 255320, HP:0003789.
Malignant hyperthermia, susceptibility to, 1 (MHS1). Also called: RYR1-Related Malignant Hyperthermia Susceptibility; Anesthesia related hyperthermia; Malignant hyperpyrexia; Fulminating hyperpyrexia; Pharmacogenic myopathy; Malignant hyperthermia suceptibility 1. Identifiers: Orphanet 423, MedGen C2930980, MONDO:0007783, OMIM 145600.
Central core myopathy (CMYO1A). Also called: Central core disease; Myopathy, central fibrillar; CONGENITAL MYOPATHY 1A, AUTOSOMAL DOMINANT, WITH SUSCEPTIBILITY TO MALIGNANT HYPERTHERMIA. Identifiers: Orphanet 597, MedGen C5830701, MONDO:0007294, OMIM 117000.
King Denborough syndrome (KDS). Identifiers: MedGen C1840365, MONDO:0020485, OMIM 619542.
RYR1-related myopathy. Identifiers: Orphanet 98742, MedGen CN305348, MONDO:0100150.
Inborn genetic diseases. Identifiers: MedGen C0950123, MeSH D030342.
RYR1-related disorder. Also called: RYR1-related condition; RYR1-related disorders. Identifiers: MedGen CN239331.
Congenital myopathy with fiber type disproportion. Also called: Congenital fiber-type disproportion; Congenital fiber-type disproportion myopathy. Identifiers: Orphanet 2020, MedGen C0546264, MONDO:0009711. Inheritance: all.

Allele frequency attached by ClinVar (database versions not stated): gnomAD exomes below 0.00001 and 0.00002; ExAC 0.00001; TOPMed 0.00001; ESP Exome Variant Server 0.00008.
gnomAD v4.1: 13 of 1,613,690 alleles (0.00081%); highest among the groups gnomAD compares: Admixed American, 0.0017%; no homozygotes.

Submissions (13):

ClinGen Congenital Myopathies Variant Curation Expert Panel, ClinGen
Classification: Pathogenic for RYR1-related myopathy. Last evaluated: 2025-09-08. Review status: reviewed by expert panel. Criteria: ClinGen CongenMyopathy ACMG Specifications RYR1 AR V2.0.0. Collection method: curation. Allele origin: germline. Inheritance: Autosomal recessive inheritance.
Comment: The NM_000540.3:c.10347+1G>A variant in RYR1 occurs within the canonical splice donor site (+1) of intron 68. It is predicted to cause skipping of biologically-relevant-exon 68/106, resulting in a frameshift leading to nonsense mediated decay in a gene in which loss-of-function is an established disease mechanism (PVS1). The highest population minor allele frequency in gnomAD v4.1.0 is 0.00001666 (1/60016 alleles) in the Admixed American population, which meets no population codes. This variant has been observed in trans with a pathogenic variant in four individuals (4pts) and as phase unknown in one individual (0.5pt) with congenital myopathy (4.5pt, PM3_VeryStrong, PMIDs: 25957634, 25356970, 30652412, 36697461, 36833224). In summary, this variant is classified as pathogenic for autosomal recessive RYR1-related myopathy based on the ACMG/AMP criteria applied, as specified by the ClinGen Congenital Myopathies VCEP: PVS1, PM3_VeryStrong. (ClinGen Congenital Myopathies VCEP specifications version 2.0.0; September 8th, 2025).

Labcorp Genetics (formerly Invitae), Labcorp
Classification: Pathogenic for RYR1-related disorder. Last evaluated: 2025-11-01. Review status: criteria provided, single submitter. Criteria: Invitae Variant Classification Sherloc (09022015). Collection method: clinical testing. Allele origin: germline. Not counted in ClinVar's aggregate classification.
Comment: This sequence change affects a donor splice site in intron 68 of the RYR1 gene. It is expected to disrupt RNA splicing. Variants that disrupt the donor or acceptor splice site typically lead to a loss of protein function (PMID: 16199547), and loss-of-function variants in RYR1 are known to be pathogenic (PMID: 23919265, 25960145, 28818389, 30611313). This variant is present in population databases (rs111436401, gnomAD 0.003%). Disruption of this splice site has been observed in individual(s) with autosomal recessive centronuclear myopathy (PMID: 25957634). In at least one individual the data is consistent with being in trans (on the opposite chromosome) from a pathogenic variant. ClinVar contains an entry for this variant (Variation ID: 224998). Algorithms developed to predict the effect of sequence changes on RNA splicing suggest that this variant may disrupt the consensus splice site. For these reasons, this variant has been classified as Pathogenic.

PreventionGenetics, part of Exact Sciences
Classification: Pathogenic for RYR1-related condition. Last evaluated: 2025-09-26. Review status: criteria provided, single submitter. Criteria: ACMG Guidelines, 2015. Collection method: clinical testing. Allele origin: germline. Not counted in ClinVar's aggregate classification.
Comment: The RYR1 c.10347+1G>A variant is predicted to disrupt the GT donor site and interfere with normal splicing. This variant has been reported in the compound heterozygous state in multiple individuals with congenital myopathy and has segregated with the disorder in at least one family (see for example, Fattori et al. 2015. PubMed ID: 25957634; Zecevic et al. 2020. PubMed ID: 32655342; Table S2, Summa et al. 2023. PubMed ID: 36697461). This variant is reported in 0.0029% of alleles in individuals of Latino descent in gnomAD. Variants that disrupt the consensus splice donor site in RYR1 are expected to be pathogenic for autosomal recessive disease. This variant is interpreted as pathogenic.

Revvity Omics, Revvity
Classification: Pathogenic. Last evaluated: 2024-09-09. Review status: criteria provided, single submitter. Criteria: ACMG Guidelines, 2015. Collection method: clinical testing. Allele origin: germline. Not counted in ClinVar's aggregate classification.

Fulgent Genetics
Classification: Pathogenic for Central core myopathy; Malignant hyperthermia, susceptibility to, 1; Congenital multicore myopathy with external ophthalmoplegia; King Denborough syndrome. Last evaluated: 2024-06-15. Review status: criteria provided, single submitter. Criteria: ACMG Guidelines, 2015. Collection method: clinical testing. Allele origin: germline. Not counted in ClinVar's aggregate classification.

Blueprint Genetics
Classification: Pathogenic for RYR1-related disorders. Last evaluated: 2024-03-04. Review status: criteria provided, single submitter. Criteria: ACMG Guidelines, 2015. Collection method: clinical testing. Allele origin: germline. Affected: yes. Observed: 5 variant alleles. Not counted in ClinVar's aggregate classification.

Color Diagnostics, LLC DBA Color Health
Classification: Uncertain significance for Malignant hyperthermia, susceptibility to, 1. Last evaluated: 2023-08-23. Review status: criteria provided, single submitter. Criteria: ACMG Guidelines, 2015. Collection method: clinical testing. Allele origin: germline. Not counted in ClinVar's aggregate classification.
Comment: This variant causes a G to A nucleotide substitution at the +1 position of intron 68 of the RYR1 gene. Splice site prediction tools predict that this variant may have a significant impact on RNA splicing. Although this prediction has not been confirmed in published RNA studies, this variant is expected to result in an absent or disrupted protein product. To our knowledge, functional studies have not been reported for this variant. Loss of RYR1 function due to truncation variants is not an established disease mechanism for autosomal dominant malignant hyperthermia, although it is associated with other phenotype(s) (ClinVar variation ID: 224998). Due to insufficient evidence, this variant is classified as a Variant of Uncertain Significance for autosomal dominant malignant hyperthermia.

GeneDx
Classification: Pathogenic. Last evaluated: 2022-05-26. Review status: criteria provided, single submitter. Criteria: GeneDx Variant Classification Process June 2021. Collection method: clinical testing. Allele origin: germline. Affected: yes. Not counted in ClinVar's aggregate classification.
Comment: Canonical splice site variant predicted to result in a null allele in a gene for which loss of function is a known mechanism of disease; Not observed at significant frequency in large population cohorts (gnomAD); Previously reported in trans with another variant in multiple individuals with features of RYR1-related neuromuscular disease in the published literature and at GeneDx (Fattori et al., 2015; Farwell et al., 2015 Zecevic et al., 2020; Alkhunaizi et al.,2019); This variant is associated with the following publications: (PMID: 25356970, 31589614, 30652412, 25957634, 32655342)

Laan Lab, Human Genetics Research Group, University of Tartu
Classification: Pathogenic for Malignant hyperthermia, susceptibility to, 1. Last evaluated: 2021-05-01. Review status: criteria provided, single submitter. Criteria: ACMG Guidelines, 2015. Collection method: research. Allele origin: unknown. Observed: 1 variant allele, 1 heterozygote. Not counted in ClinVar's aggregate classification.

Institute of Human Genetics Munich, TUM University Hospital
Classification: Pathogenic for Congenital multicore myopathy with external ophthalmoplegia. Last evaluated: 2019-06-07. Review status: criteria provided, single submitter. Criteria: Classification criteria August 2017. Collection method: clinical testing. Allele origin: paternal. Inheritance: Autosomal recessive inheritance. Affected: yes. Observed: 1 compound heterozygote. Not counted in ClinVar's aggregate classification.

Fulgent Genetics
Classification: Pathogenic for Central core myopathy; Malignant hyperthermia, susceptibility to, 1; Congenital myopathy 4A, autosomal dominant; Congenital multicore myopathy with external ophthalmoplegia. Last evaluated: 2018-10-31. Review status: criteria provided, single submitter. Criteria: ACMG Guidelines, 2015. Collection method: clinical testing. Allele origin: unknown. Not counted in ClinVar's aggregate classification.

Ambry Genetics
Classification: Likely pathogenic for Inborn genetic diseases. Last evaluated: 2013-09-13. Review status: criteria provided, single submitter. Criteria: Ambry Autosomal Dominant and X-Linked criteria (10/2015). Collection method: clinical testing. Allele origin: germline. Observed: 1 variant allele. Not counted in ClinVar's aggregate classification.

All of Us Research Program, National Institutes of Health
Classification: Uncertain significance for Malignant hyperthermia, susceptibility to, 1. Last evaluated: 2023-09-04. Review status: flagged submission. Criteria: ACMG Guidelines, 2015. Collection method: clinical testing. Allele origin: germline. Inheritance: Autosomal dominant inheritance. Observed: 3 variant alleles, 3 heterozygotes. Not counted in ClinVar's aggregate classification.
Comment: This variant causes a G to A nucleotide substitution at the +1 position of intron 68 of the RYR1 gene. Splice site prediction tools predict that this variant may have a significant impact on RNA splicing. Although this prediction has not been confirmed in published RNA studies, this variant is expected to result in an absent or disrupted protein product. To our knowledge, functional studies have not been reported for this variant. Loss of RYR1 function due to truncation variants is not an established disease mechanism for autosomal dominant malignant hyperthermia, although it is associated with other phenotype(s) (ClinVar variation ID: 224998). Due to insufficient evidence, this variant is classified as a Variant of Uncertain Significance for autosomal dominant malignant hyperthermia.

This study involves interpretation of variants in research participants for the purpose of population health screening. Participant phenotype was not available at the time of variant classification. Additional details can be found in publication PMID: 35346344, PMCID: PMC8962531
ClinVar note: Reason: Outlier claim with insufficient supporting evidence

Literature cited by the submitters: PubMed 16199547 (cited by Labcorp Genetics (formerly Invitae), Labcorp); PubMed 23919265 (cited by Labcorp Genetics (formerly Invitae), Labcorp); PubMed 25960145 (cited by Labcorp Genetics (formerly Invitae), Labcorp); PubMed 28818389 (cited by Labcorp Genetics (formerly Invitae), Labcorp); PubMed 30611313 (cited by Labcorp Genetics (formerly Invitae), Labcorp); PubMed 25957634 (cited by Labcorp Genetics (formerly Invitae), Labcorp); PubMed 35535697 (cited by Laan Lab, Human Genetics Research Group, University of Tartu).